The following is an entry in ClinVar:

NM_002439.5(MSH3):c.797C>T (p.Ala266Val)

Gene: MSH3 (mutS homolog 3; plus strand). Cytogenetic location: 5q14.1.
Variant type: single nucleotide variant.
Coding change: c.797C>T on transcript NM_002439.5 (MANE Select); coding-DNA position 797, C replaced by T.
Protein change: p.Ala266Val; replaces alanine 266 with valine.
Molecular consequence: missense variant.
Genome position (GRCh38, 1-based): chr5:80,672,248, C>T. VCF-style: chr5-80672248-C-T. GRCh37 (hg19) VCF-style: chr5-79968067-C-T.
Other names: c.797C>T (NM_002439.3); short protein forms A266V.
Identifiers: ClinVar variation 2708475 (VCV002708475.4), dbSNP rs754343324, ClinGen allele CA3327720.

ClinVar aggregate classification (germline): Uncertain significance. Review status: criteria provided, multiple submitters, no conflicts (2 of 4 stars). 2 submissions from 2 submitters: Uncertain significance (2). Last evaluated 2026-07-06.

Conditions:
Hereditary cancer-predisposing syndrome. Also called: Hereditary neoplastic syndrome; Hereditary Cancer Syndrome; Neoplastic Syndromes, Hereditary; Tumor predisposition. Identifiers: Orphanet 140162, MedGen C0027672, MeSH D009386, MONDO:0015356.

Allele frequency attached by ClinVar (database versions not stated): gnomAD exomes below 0.00001; ExAC 0.00001.
gnomAD v4.1: 2 of 1,607,532 alleles (0.00012%); highest among the groups gnomAD compares: South Asian, 0.0011%; no homozygotes.

Submissions (2):

Ambry Genetics
Classification: Uncertain significance for Hereditary cancer-predisposing syndrome. Last evaluated: 2026-07-06. Review status: criteria provided, single submitter. Criteria: Ambry Variant Classification Scheme 2023. Collection method: clinical testing. Allele origin: germline.
Comment: The p.A266V variant (also known as c.797C>T), located in coding exon 5 of the MSH3 gene, results from a C to T substitution at nucleotide position 797. The alanine at codon 266 is replaced by valine, an amino acid with similar properties. This amino acid position is conserved. In addition, this alteration is predicted to be deleterious by in silico analysis. Based on the available evidence, the clinical significance of this variant remains unclear.

Labcorp Genetics (formerly Invitae), Labcorp
Classification: Uncertain significance. Last evaluated: 2023-05-24. Review status: criteria provided, single submitter. Criteria: Invitae Variant Classification Sherloc (09022015). Collection method: clinical testing. Allele origin: germline.
Comment: This sequence change replaces alanine, which is neutral and non-polar, with valine, which is neutral and non-polar, at codon 266 of the MSH3 protein (p.Ala266Val). This variant is present in population databases (rs754343324, gnomAD 0.003%). This variant has not been reported in the literature in individuals affected with MSH3-related conditions. An algorithm developed to predict the effect of missense changes on protein structure and function (PolyPhen-2) suggests that this variant is likely to be disruptive. In summary, the available evidence is currently insufficient to determine the role of this variant in disease. Therefore, it has been classified as a Variant of Uncertain Significance.